The following is an entry in ClinVar:

NM_000256.3(MYBPC3):c.3663G>A (p.Leu1221=)

Gene: MYBPC3 (myosin binding protein C3; minus strand). Cytogenetic location: 11p11.2.
Variant type: single nucleotide variant.
Coding change: c.3663G>A on transcript NM_000256.3 (MANE Select); coding-DNA position 3663, G replaced by A.
Protein change: p.Leu1221=; no amino-acid change (leucine 1221 retained).
Molecular consequence: synonymous variant.
Genome position (GRCh38, 1-based): chr11:47,332,223, C>T on the plus strand (G>A on the coding strand, the complement: MYBPC3 is on the minus strand). VCF-style: chr11-47332223-C-T. GRCh37 (hg19) VCF-style: chr11-47353774-C-T.
Identifiers: ClinVar variation 2887489 (VCV002887489.4), dbSNP rs1347906047, ClinGen allele CA474428909.

ClinVar aggregate classification (germline): Conflicting classifications of pathogenicity. Review status: criteria provided, conflicting classifications (1 of 4 stars). 2 submissions from 2 submitters: Uncertain significance (1); Likely benign (1). Last evaluated 2023-08-15.

Conditions:
Hypertrophic cardiomyopathy. Also called: HYPERTROPHIC MYOCARDIOPATHY. Identifiers: Orphanet 217569, MedGen C0007194, MeSH D002312, MONDO:0005045, HP:0001639.

Allele frequency attached by ClinVar (database versions not stated): gnomAD 0.00001.
gnomAD v4.1: 1 of 1,613,750 alleles (0.000062%); highest among the groups gnomAD compares: East Asian, 0.0022%; no homozygotes.

Submissions (2):

All of Us Research Program, National Institutes of Health
Classification: Uncertain significance for Hypertrophic cardiomyopathy. Last evaluated: 2023-08-15. Review status: criteria provided, single submitter. Criteria: ACMG Guidelines, 2015. Collection method: clinical testing. Allele origin: germline. Inheritance: Autosomal dominant inheritance. Observed: 1 variant allele, 1 heterozygote.
Comment: This variant is located in the MYBPC3 protein. To our knowledge, functional studies have not been reported for this variant. This variant has not been reported in individuals affected with MYBPC3-related disorders in the literature. This variant has been identified in 1/31396 chromosomes in the general population by the Genome Aggregation Database (gnomAD). The available evidence is insufficient to determine the role of this variant in disease conclusively. Therefore, this variant is classified as a Variant of Uncertain Significance.

This study involves interpretation of variants in research participants for the purpose of population health screening. Participant phenotype was not available at the time of variant classification. Additional details can be found in publication PMID: 35346344, PMCID: PMC8962531

Labcorp Genetics (formerly Invitae), Labcorp
Classification: Likely benign for Hypertrophic cardiomyopathy. Last evaluated: 2023-06-09. Review status: criteria provided, single submitter. Criteria: Invitae Variant Classification Sherloc (09022015). Collection method: clinical testing. Allele origin: germline.